The following is an entry in ClinVar:

NM_004370.6(COL12A1):c.8215T>C (p.Cys2739Arg)

Gene: COL12A1 (collagen type XII alpha 1 chain; minus strand). Cytogenetic location: 6q13.
Variant type: single nucleotide variant.
Coding change: c.8215T>C on transcript NM_004370.6 (MANE Select); coding-DNA position 8215, T replaced by C.
Protein change: p.Cys2739Arg; replaces cysteine 2739 with arginine.
Molecular consequence: missense variant.
Genome position (GRCh38, 1-based): chr6:75,105,256, A>G on the plus strand (T>C on the coding strand, the complement: COL12A1 is on the minus strand). VCF-style: chr6-75105256-A-G. GRCh37 (hg19) VCF-style: chr6-75814972-A-G.
Other names: c.8215T>C, p.Cys2739Arg (NM_001424113.1); c.8194T>C, p.Cys2732Arg (NM_001424114.1); c.7942T>C, p.Cys2648Arg (NM_001424115.1); c.4723T>C, p.Cys1575Arg (NM_001424116.1, NM_080645.3); short protein forms C1575R, C2648R, C2732R, C2739R.
Identifiers: ClinVar variation 3751942 (VCV003751942.4).

ClinVar aggregate classification (germline): Uncertain significance. Review status: criteria provided, multiple submitters, no conflicts (2 of 4 stars). 2 submissions from 2 submitters: Uncertain significance (2). Last evaluated 2025-06-16.

Conditions:
Ullrich congenital muscular dystrophy 2 (UCMD2). Identifiers: Orphanet 75840, MedGen C4225314, MONDO:0014654, OMIM 616470.
Bethlem myopathy 2 (BTHLM2). Identifiers: Orphanet 536516, Orphanet 610, MedGen C4225313, MONDO:0034022, OMIM 616471.

gnomAD v4.1: 3 of 1,613,768 alleles (0.00019%); highest among the groups gnomAD compares: Non-Finnish European, 0.00017%; no homozygotes.

Submissions (2):

Dasa
Classification: Uncertain significance. Last evaluated: 2025-06-16. Review status: criteria provided, single submitter. Criteria: DASA Assertion Criteria. Collection method: clinical testing. Allele origin: germline.
Comment: NM_004370.6(COL12A1):c.8215T>C (p.Cys2739Arg) is a missense variant that results in the substitution of cysteine with arginine. This variant is rare in population databases. Computational prediction algorithms are consistent with a deleterious effect. The currently available literature and clinical evidence are not sufficient to establish a definitive association between this variant and the reported condition. Therefore, this variant is classified as a variant of uncertain significance.

Labcorp Genetics (formerly Invitae), Labcorp
Classification: Uncertain significance for Bethlem myopathy 2; Ullrich congenital muscular dystrophy 2. Last evaluated: 2025-01-25. Review status: criteria provided, single submitter. Criteria: Invitae Variant Classification Sherloc (09022015). Collection method: clinical testing. Allele origin: germline.
Comment: This sequence change replaces cysteine, which is neutral and slightly polar, with arginine, which is basic and polar, at codon 2739 of the COL12A1 protein (p.Cys2739Arg). This variant is present in population databases (rs376478905, gnomAD 0.002%). This variant has not been reported in the literature in individuals affected with COL12A1-related conditions. Invitae Evidence Modeling of protein sequence and biophysical properties (such as structural, functional, and spatial information, amino acid conservation, physicochemical variation, residue mobility, and thermodynamic stability) indicates that this missense variant is not expected to disrupt COL12A1 protein function with a negative predictive value of 80%. In summary, the available evidence is currently insufficient to determine the role of this variant in disease. Therefore, it has been classified as a Variant of Uncertain Significance.